The following is an entry in ClinVar:

ClinVar aggregate classification (germline): Likely benign. Review status: criteria provided, multiple submitters, no conflicts (2 of 4 stars). 3 submissions from 3 submitters: Likely benign (3). Last evaluated 2026-01-08.

Allele frequency attached by ClinVar (database versions not stated): gnomAD 0.00006 and 0.00007; TOPMed 0.00007; ExAC 0.00010; gnomAD exomes 0.00010 and 0.00013; 1000 Genomes Project 0.00020; 1000 Genomes Project 30x 0.00031.
gnomAD v4.1: 174 of 1,610,718 alleles (0.011%); highest among the groups gnomAD compares: South Asian, 0.024%; no homozygotes.

Submissions (3):

Labcorp Genetics (formerly Invitae), Labcorp
Classification: Likely benign. Last evaluated: 2026-01-08. Review status: criteria provided, single submitter. Criteria: Invitae Variant Classification Sherloc (09022015). Collection method: clinical testing. Allele origin: germline.

CeGaT Center for Human Genetics Tuebingen
Classification: Likely benign. Last evaluated: 2025-03-01. Review status: criteria provided, single submitter. Criteria: CeGaT Center For Human Genetics Tuebingen Variant Classification Criteria Version 2. Collection method: clinical testing. Allele origin: germline. Affected: yes. Observed: 1 variant allele.
Comment: HPS1: BP4, BP7

Blueprint Genetics
Classification: Likely benign. Last evaluated: 2024-09-02. Review status: criteria provided, single submitter. Criteria: ACMG Guidelines, 2015. Collection method: clinical testing. Allele origin: germline.

NM_000195.5(HPS1):c.1899C>T (p.Asp633=)

Gene: HPS1 (HPS1 biogenesis of lysosomal organelles complex 3 subunit 1; minus strand). Cytogenetic location: 10q24.2.
Variant type: single nucleotide variant.
Coding change: c.1899C>T on transcript NM_000195.5 (MANE Select); coding-DNA position 1899, C replaced by T.
Protein change: p.Asp633=; no amino-acid change (aspartic acid 633 retained).
Molecular consequence: synonymous variant.
Genome position (GRCh38, 1-based): chr10:98,418,216, G>A on the plus strand (C>T on the coding strand, the complement: HPS1 is on the minus strand). VCF-style: chr10-98418216-G-A. GRCh37 (hg19) VCF-style: chr10-100177973-G-A.
Other names: c.927C>T, p.Asp309= (NM_001311345.2, NM_001322487.2, NM_001322489.2); c.1899C>T, p.Asp633= (NM_001322476.2, NM_001322477.2); c.1800C>T, p.Asp600= (NM_001322478.2, NM_001322479.2); c.1638C>T, p.Asp546= (NM_001322480.2, NM_001322481.2); c.1539C>T, p.Asp513= (NM_001322482.2); c.1530C>T, p.Asp510= (NM_001322483.2, NM_001322484.2); c.1431C>T, p.Asp477= (NM_001322485.2).
Identifiers: ClinVar variation 1131815 (VCV001131815.17), dbSNP rs554855894, ClinGen allele CA5638844.
Genomic context (GRCh38, chr10:98,418,216, plus strand): 5'-GCTCCCAACGCAGCGTCACCTGTAGTAGTCTCCTCCCAGCATGCCGATAGGCACTGAGTC[G>A]TCGGAGAGGACGGGCACCTCGATCATCTGGAGTTTGTACCCCTGAGGAGGGAGGACAGGG-3'
Protein context (NP_000186.2, residues 623-643): LQMIEVPVLS[Asp633=]DSVPIGMLGG